The following is an entry in ClinVar:

ClinVar aggregate classification (germline): Pathogenic (1 of 4 stars; one submission).

Conditions:
X-linked lymphoproliferative disease due to XIAP deficiency. Also called: XIAP DEFICIENCY; XIAP-Related Lymphoproliferative Disease, X-Linked. Identifiers: Orphanet 2442, Orphanet 538934, MedGen C1845076, MONDO:0010385, OMIM 300635.

Submission:

Labcorp Genetics (formerly Invitae), Labcorp
Classification: Pathogenic for X-linked lymphoproliferative disease due to XIAP deficiency. Last evaluated: 2020-03-07. Review status: criteria provided, single submitter. Criteria: Invitae Variant Classification Sherloc (09022015). Collection method: clinical testing. Allele origin: germline.
Comment: This sequence change creates a premature translational stop signal (p.Glu21Lysfs*4) in the XIAP gene. It is expected to result in an absent or disrupted protein product. This variant is not present in population databases (ExAC no frequency). For these reasons, this variant has been classified as Pathogenic. Loss-of-function variants in XIAP are known to be pathogenic (PMID: 17080092, 21119115, 25666262). This variant has not been reported in the literature in individuals with XIAP-related conditions.

Literature cited by the submitters: PubMed 17080092; PubMed 21119115; PubMed 25666262.

NM_001167.4(XIAP):c.60del (p.Glu21fs)

Gene: XIAP (X-linked inhibitor of apoptosis; plus strand). Cytogenetic location: Xq25.
Variant type: Deletion.
Coding change: c.60del on transcript NM_001167.4 (MANE Select); coding-DNA position 60, one base deleted (A; older notation c.60delA).
Protein change: p.Glu21fs; shifts the reading frame from glutamic acid 21.
Molecular consequence: frameshift variant.
Genome position (GRCh38, 1-based): chrX:123,885,722, A deleted; the last of 2 consecutive A bases (chrX:123,885,721-123,885,722); deleting either gives the same sequence. VCF-style (leftmost placement, unchanged base first): chrX-123885720-GA-G. GRCh37 (hg19) VCF-style: chrX-123019570-GA-G.
Other names: c.60del, p.Glu21fs (NM_001204401.2, NM_001378590.1, NM_001378591.1 and 1 more transcripts); short protein forms E21fs.
Identifiers: ClinVar variation 1073250 (VCV001073250.7), dbSNP rs2148089318, ClinGen allele CA2499226355.